The following is an entry in ClinVar:

ClinVar aggregate classification (germline): Uncertain significance (1 of 4 stars; one submission).

Conditions:
Frontometaphyseal dysplasia (FMD1). Identifiers: Orphanet 1826, MedGen C0265293, MONDO:0015942.
Heterotopia, periventricular, X-linked dominant (PVNH1). Also called: PERIVENTRICULAR NODULAR HETEROTOPIA 1; X-linked periventricular heterotopia; PERIVENTRICULAR NODULAR HETEROTOPIA 4; HETEROTOPIA, PERIVENTRICULAR, 1. Identifiers: Orphanet 2149, Orphanet 82004, MedGen C1848213, MONDO:0010233, OMIM 300049.
Melnick-Needles syndrome (MNS). Also called: MELNICK-NEEDLES OSTEODYSPLASTY; OSTEODYSPLASTY OF MELNICK AND NEEDLES; Melnick-Needles Syndrome (FLNA-MNS). Identifiers: Orphanet 2484, MedGen C0025237, MONDO:0010650, OMIM 309350.
Oto-palato-digital syndrome, type II (OPD2). Also called: OPD II SYNDROME; FACIOPALATOOSSEOUS SYNDROME; Otopalatodigital Syndrome Type 2 (FLNA-OPD2); Otopalatodigital Syndrome, Type II. Identifiers: Orphanet 669, Orphanet 90652, MedGen C1844696, MONDO:0010571, OMIM 304120.

Submission:

Labcorp Genetics (formerly Invitae), Labcorp
Classification: Uncertain significance for Oto-palato-digital syndrome, type II; Heterotopia, periventricular, X-linked dominant; Frontometaphyseal dysplasia; Melnick-Needles syndrome. Last evaluated: 2022-06-04. Review status: criteria provided, single submitter. Criteria: Invitae Variant Classification Sherloc (09022015). Collection method: clinical testing. Allele origin: germline.
Comment: This sequence change replaces alanine, which is neutral and non-polar, with serine, which is neutral and polar, at codon 797 of the FLNA protein (p.Ala797Ser). This variant is not present in population databases (gnomAD no frequency). This variant has not been reported in the literature in individuals affected with FLNA-related conditions. ClinVar contains an entry for this variant (Variation ID: 948527). Advanced modeling of protein sequence and biophysical properties (such as structural, functional, and spatial information, amino acid conservation, physicochemical variation, residue mobility, and thermodynamic stability) performed at Invitae indicates that this missense variant is not expected to disrupt FLNA protein function. In summary, the available evidence is currently insufficient to determine the role of this variant in disease. Therefore, it has been classified as a Variant of Uncertain Significance.

NM_001110556.2(FLNA):c.2389G>T (p.Ala797Ser)

Gene: FLNA (filamin A; minus strand). Cytogenetic location: Xq28.
Variant type: single nucleotide variant.
Coding change: c.2389G>T on transcript NM_001110556.2 (MANE Select); coding-DNA position 2389, G replaced by T.
Protein change: p.Ala797Ser; replaces alanine 797 with serine.
Molecular consequence: missense variant.
Genome position (GRCh38, 1-based): chrX:154,362,676, C>A on the plus strand (G>T on the coding strand, the complement: FLNA is on the minus strand). VCF-style: chrX-154362676-C-A. GRCh37 (hg19) VCF-style: chrX-153591044-C-A.
Other names: c.2389G>T, p.Ala797Ser (NM_001456.4); short protein forms A797S.
Identifiers: ClinVar variation 948527 (VCV000948527.10), dbSNP rs201073998, ClinGen allele CA415237182.